The following is an entry in ClinVar:

ClinVar aggregate classification (germline): Likely pathogenic. Review status: reviewed by expert panel (3 of 4 stars). 11 submissions from 11 submitters: Likely pathogenic (1). 10 of the submissions do not count toward it. Last evaluated 2025-11-11.

Conditions:
ATM-related cancer predisposition. Also called: ATM-related cancer susceptibility. Identifiers: MedGen CN377759, MONDO:0700270.
Hereditary cancer-predisposing syndrome. Also called: Tumor predisposition; Neoplastic Syndromes, Hereditary; Hereditary neoplastic syndrome; Hereditary Cancer Syndrome. Identifiers: Orphanet 140162, MedGen C0027672, MeSH D009386, MONDO:0015356.
Familial cancer of breast. Also called: BREAST CANCER, FAMILIAL; hereditary breast carcinoma; Hereditary breast cancer. Identifiers: Orphanet 227535, MedGen C0346153, MONDO:0016419, OMIM 114480. Disease mechanism: loss of function.
Ataxia-telangiectasia syndrome (AT). Also called: LOUIS-BAR SYNDROME; Ataxia-telangiectasia, complementation group D; AT, COMPLEMENTATION GROUP C; ATAXIA-TELANGIECTASIA, COMPLEMENTATION GROUP A; ATAXIA-TELANGIECTASIA, FRESNO VARIANT; Ataxia-telangiectasia. Identifiers: Orphanet 100, MedGen C0004135, MONDO:0008840, OMIM 208900.

Allele frequency attached by ClinVar (database versions not stated): gnomAD exomes below 0.00001.
gnomAD v4.1: 4 of 1,613,158 alleles (0.00025%); highest among the groups gnomAD compares: Non-Finnish European, 0.00034%; no homozygotes.

Submissions (11):

ClinGen Hereditary Breast, Ovarian and Pancreatic Cancer Variant Curation Expert Panel, ClinGen
Classification: Likely pathogenic for ATM-related cancer predisposition. Last evaluated: 2025-11-11. Review status: reviewed by expert panel. Criteria: ClinGen HBOP ACMG Specifications ATM V1.4.0. Collection method: curation. Allele origin: germline. Inheritance: Autosomal dominant inheritance.
Comment: The c.1844T>C variant in ATM is a missense variant predicted to cause substitution of leucine by proline at amino acid 615 (p.Leu615Pro). This variant has been detected in at least three unrelated individuals with Ataxia-Telangiectasia (PMID: 30549301, 32901917, external communication with Labcorp Genetics (formerly Invitae)). The highest population minor allele frequency in gnomAD v4.1.0 is 0.000003392 in the European (non-Finnish) population, which is lower than the HBOP VCEP threshold (≤0.00001) for PM2_Supporting, and therefore meets this criterion. The computational predictor REVEL gives a score of 0.792, which is above the threshold of 0.7333, evidence that correlates with impact to ATM function. In summary, this variant meets the criteria to be classified as likely pathogenic for autosomal dominant ATM-related cancer predisposition and autosomal recessive Ataxia-Telangiectasia based on the ACMG/AMP criteria applied as specified by the HBOP VCEP. (PM3_Strong, PM2_Supporting, PP3)

Labcorp Genetics (formerly Invitae), Labcorp
Classification: Likely pathogenic for Ataxia-telangiectasia syndrome. Last evaluated: 2025-07-30. Review status: criteria provided, single submitter. Criteria: Invitae Variant Classification Sherloc (09022015). Collection method: clinical testing. Allele origin: germline. Not counted in ClinVar's aggregate classification.
Comment: This sequence change replaces leucine, which is neutral and non-polar, with proline, which is neutral and non-polar, at codon 615 of the ATM protein (p.Leu615Pro). This variant is not present in population databases (gnomAD no frequency). This missense change has been observed in individual(s) with ataxia-telangiectasia and/or prostate cancer (PMID: 29368341, 30549301, 32901917; internal data). In at least one individual the data is consistent with being in trans (on the opposite chromosome) from a pathogenic variant. ClinVar contains an entry for this variant (Variation ID: 187501). Invitae Evidence Modeling of protein sequence and biophysical properties (such as structural, functional, and spatial information, amino acid conservation, physicochemical variation, residue mobility, and thermodynamic stability) has been performed for this missense variant. However, the output from this modeling did not meet the statistical confidence thresholds required to predict the impact of this variant on ATM protein function. In summary, the currently available evidence indicates that the variant is pathogenic, but additional data are needed to prove that conclusively. Therefore, this variant has been classified as Likely Pathogenic.

Ambry Genetics
Classification: Likely pathogenic for Hereditary cancer-predisposing syndrome. Last evaluated: 2025-03-13. Review status: criteria provided, single submitter. Criteria: Ambry Variant Classification Scheme 2023. Collection method: clinical testing. Allele origin: germline. Not counted in ClinVar's aggregate classification.
Comment: The p.L615P variant (also known as c.1844T>C), located in coding exon 11 of the ATM gene, results from a T to C substitution at nucleotide position 1844. The leucine at codon 615 is replaced by proline, an amino acid with similar properties. This variant was identified in conjunction with other pathogenic variants in ATM in multiple individuals diagnosed with ataxia-telangiectasia (Schon K et al. Ann Neurol 2019 02;85(2):170-180; Seo GH et al. Clin Genet 2020 12;98(6):562-570). This amino acid position is highly conserved in available vertebrate species. This variant is considered to be rare based on population cohorts in the Genome Aggregation Database (gnomAD). In addition, this alteration is predicted to be deleterious by in silico analysis. Based on the majority of available evidence to date, this variant is likely to be pathogenic.

Color Diagnostics, LLC DBA Color Health
Classification: Likely pathogenic for Hereditary cancer-predisposing syndrome. Last evaluated: 2025-01-15. Review status: criteria provided, single submitter. Criteria: ACMG Guidelines, 2015. Collection method: clinical testing. Allele origin: germline. Not counted in ClinVar's aggregate classification.
Comment: This missense variant replaces leucine with proline at codon 615 of the ATM protein. Computational prediction suggests that this variant may have deleterious impact on protein structure and function. To our knowledge, functional studies have not been reported for this variant. This variant has been observed in the compound heterozygous state in individuals affected with autosomal recessive ataxia-telangiectasia (PMID: 26896183, 30549301; ClinVar Accession: SCV000960336.4), indicating that this variant contributes to disease. This variant has also been reported in trans with a variant of uncertain significance, c.8687A>C (p.Gln2896Pro), in an individual affected with ataxia-telangiectasia (PMID: 32901917) as well as in individuals affected with prostate cancer (PMID: 29368341). This variant has not been identified in the general population by the Genome Aggregation Database (gnomAD). Based on the available evidence, this variant is classified as Likely Pathogenic.

Molecular Pathology, Peter Maccallum Cancer Centre
Classification: Uncertain significance for Ataxia-telangiectasia syndrome. Last evaluated: 2024-01-31. Review status: criteria provided, single submitter. Criteria: ACMG Guidelines, 2015. Collection method: clinical testing. Allele origin: germline. Inheritance: Autosomal recessive inheritance. Not counted in ClinVar's aggregate classification.

GeneDx
Classification: Likely pathogenic. Last evaluated: 2024-01-03. Review status: criteria provided, single submitter. Criteria: GeneDx Variant Classification Process June 2021. Collection method: clinical testing. Allele origin: germline. Affected: yes. Not counted in ClinVar's aggregate classification.
Comment: Identified in an individual with prostate cancer (PMID: 29368341); Not observed at significant frequency in large population cohorts (gnomAD); In silico analysis supports that this missense variant has a deleterious effect on protein structure/function; This variant is associated with the following publications: (PMID: 32901917, 30549301, 29368341, 26896183)

Blueprint Genetics
Classification: Uncertain significance. Last evaluated: 2023-11-16. Review status: criteria provided, single submitter. Criteria: ACMG Guidelines, 2015. Collection method: clinical testing. Allele origin: germline. Not counted in ClinVar's aggregate classification.

St. Jude Molecular Pathology, St. Jude Children's Research Hospital
Classification: Likely pathogenic for Familial cancer of breast. Last evaluated: 2023-11-07. Review status: criteria provided, single submitter. Criteria: St. Jude Assertion Criteria 2020. Collection method: clinical testing. Allele origin: germline. Not counted in ClinVar's aggregate classification.
Comment: The ATM c.1844T>C (p.Leu615Pro) missense change is absent in gnomAD v2.1.1. This variant has been observed in trans with a pathogenic variant [NM_000051.3:c.8687A>C (p.Gln2896Pro)] in at least one patient with ataxia telangiectasia (PMID: 26896183, 30549301, 32901917). ATM expression and ATM activity assays performed on a lymphoblastoid cell line derived from the patient’s blood demonstrated residual kinase activity. In addition, the in silico tool REVEL predicts a deleterious effect on protein function. This variant is absent in a database of women older than 70 years of age who have never had cancer (FLOSSIES database). In summary, this variant meets criteria to be classified as likely pathogenic.

Baylor Genetics
Classification: Likely pathogenic for Familial cancer of breast. Last evaluated: 2023-08-30. Review status: criteria provided, single submitter. Criteria: ACMG Guidelines, 2015. Collection method: clinical testing. Allele origin: unknown. Not counted in ClinVar's aggregate classification.

3billion
Classification: Likely pathogenic for Ataxia-telangiectasia syndrome. Last evaluated: 2021-10-02. Review status: criteria provided, single submitter. Criteria: ACMG Guidelines, 2015. Collection method: clinical testing. Allele origin: paternal. Affected: yes. Observed: 1 heterozygote. Not counted in ClinVar's aggregate classification.
Comment: It is not observed in the gnomAD v2.1.1 dataset (PM2). The variant was observed in trans with a pathogenic variant [NM_000051.3:c.8687A>C (p.Gln2896Pro)] as compound heterozygous (3billion dataset, PM3). In silico tool predictions suggest damaging effect of the variant on gene or gene product (REVEL: 0.792, PP3). Patient's phenotype is considered compatible with Ataxia-telangiectasia (3billion dataset, PP4). Therefore, this variant is classified as likely pathogenic according to the recommendation of ACMG/AMP guideline

Natera, Inc.
Classification: Uncertain significance for Ataxia-telangiectasia. Last evaluated: 2021-02-20. Review status: no assertion criteria provided. Collection method: clinical testing. Allele origin: germline. Not counted in ClinVar's aggregate classification.

Literature cited by the submitters: PubMed 29368341 (cited by 3 submitters); PubMed 30549301 (cited by Labcorp Genetics (formerly Invitae), Labcorp and Color Diagnostics, LLC DBA Color Health); PubMed 32901917 (cited by Labcorp Genetics (formerly Invitae), Labcorp and Color Diagnostics, LLC DBA Color Health); PubMed 26896183 (cited by Ambry Genetics and Color Diagnostics, LLC DBA Color Health).

NM_000051.4(ATM):c.1844T>C (p.Leu615Pro)

Gene: ATM (ATM serine/threonine kinase; plus strand). Cytogenetic location: 11q22.3.
Variant type: single nucleotide variant.
Coding change: c.1844T>C on transcript NM_000051.4 (MANE Select); coding-DNA position 1844, T replaced by C.
Protein change: p.Leu615Pro; replaces leucine 615 with proline.
Molecular consequence: missense variant.
Genome position (GRCh38, 1-based): chr11:108,252,858, T>C. VCF-style: chr11-108252858-T-C. GRCh37 (hg19) VCF-style: chr11-108123585-T-C.
Other names: NM_000051.4(ATM):c.1844T>C; p.Leu615Pro; c.1844T>C, p.Leu615Pro (NM_001351834.2); short protein forms L615P.
Identifiers: ClinVar variation 187501 (VCV000187501.33), dbSNP rs786203783, ClinGen allele CA197807.
Genomic context (GRCh38, chr11:108,252,858, plus strand): 5'-TTTTTGTTTTTCTTTGTAGTAATTTTCCTCATCTTGTACTGGAGAAAATTCTTGTGAGTC[T>C]CACTATGAAAAACTGTAAAGCTGCAATGAATTTTTTCCAAAGCGTGCCAGAATGGTATGT-3'
Protein context (NP_000042.3, residues 605-625): HLVLEKILVS[Leu615Pro]TMKNCKAAMN